The following is an entry in ClinVar:

ClinVar aggregate classification (germline): Likely benign (1 of 4 stars; one submission).

Allele frequency attached by ClinVar (database versions not stated): gnomAD exomes 0.00001.
gnomAD v4.1: 2 of 1,122,810 alleles (0.00018%); no homozygotes.

Submission:

CeGaT Center for Human Genetics Tuebingen
Classification: Likely benign. Last evaluated: 2024-03-01. Review status: criteria provided, single submitter. Criteria: CeGaT Center For Human Genetics Tuebingen Variant Classification Criteria Version 2. Collection method: clinical testing. Allele origin: germline. Affected: yes. Observed: 1 variant allele.
Comment: IQSEC2: BP4, BP7

NM_001111125.3(IQSEC2):c.3933C>G (p.Ala1311=)

Gene: IQSEC2 (IQ motif and Sec7 domain ArfGEF 2; minus strand). Cytogenetic location: Xp11.22.
Variant type: single nucleotide variant.
Coding change: c.3933C>G on transcript NM_001111125.3 (MANE Select); coding-DNA position 3933, C replaced by G.
Protein change: p.Ala1311=; no amino-acid change (alanine 1311 retained).
Molecular consequence: synonymous variant. On other transcripts: 3 prime UTR variant (2).
Genome position (GRCh38, 1-based): chrX:53,234,753, G>C on the plus strand (C>G on the coding strand, the complement: IQSEC2 is on the minus strand). VCF-style: chrX-53234753-G-C. GRCh37 (hg19) VCF-style: chrX-53263935-G-C.
Other names: c.*418C>G (NM_001410736.1, NM_015075.2).
Identifiers: ClinVar variation 3067752 (VCV003067752.21), dbSNP rs1556859123, ClinGen allele CA516673572.